The following is an entry in ClinVar:

NM_001303052.2(MYT1L):c.3537G>C (p.Gln1179His)

Gene: MYT1L (myelin transcription factor 1 like; minus strand). Cytogenetic location: 2p25.3.
Variant type: single nucleotide variant.
Coding change: c.3537G>C on transcript NM_001303052.2 (MANE Select); coding-DNA position 3537, G replaced by C.
Protein change: p.Gln1179His; replaces glutamine 1179 with histidine.
Molecular consequence: missense variant. On other transcripts: 3 prime UTR variant (2), intron variant (2).
Genome position (GRCh38, 1-based): chr2:1,791,891, C>G on the plus strand (G>C on the coding strand, the complement: MYT1L is on the minus strand). VCF-style: chr2-1791891-C-G. GRCh37 (hg19) VCF-style: chr2-1795663-C-G.
Other names: c.3537G>C, p.Gln1179His (NM_001329844.2, NM_001329845.1); c.3531G>C, p.Gln1177His (NM_001329847.2, NM_001329848.1, NM_015025.4); c.*418G>C (NM_001329851.3, NM_001329852.3); c.3420+430G>C (NM_001329849.3); c.3414+430G>C (NM_001329846.3); short protein forms Q1177H, Q1179H.
Identifiers: ClinVar variation 3360397 (VCV003360397.1).

ClinVar aggregate classification (germline): Uncertain significance (1 of 4 stars; one submission).

Submission:

GeneDx
Classification: Uncertain significance. Last evaluated: 2023-06-23. Review status: criteria provided, single submitter. Criteria: GeneDx Variant Classification Process June 2021. Collection method: clinical testing. Allele origin: germline. Affected: yes.
Comment: Not observed at significant frequency in large population cohorts (gnomAD); In silico analysis supports that this missense variant has a deleterious effect on protein structure/function; Has not been previously published as pathogenic or benign to our knowledge